The following is an entry in ClinVar:

NM_000535.7(PMS2):c.751G>C (p.Val251Leu)

Gene: PMS2 (PMS1 homolog 2, mismatch repair system component; minus strand). Cytogenetic location: 7p22.1.
Variant type: single nucleotide variant.
Coding change: c.751G>C on transcript NM_000535.7 (MANE Select); coding-DNA position 751, G replaced by C.
Protein change: p.Val251Leu; replaces valine 251 with leucine.
Molecular consequence: missense variant. On other transcripts: 5 prime UTR variant (2), non-coding transcript variant (1).
Genome position (GRCh38, 1-based): chr7:5,997,378, C>G on the plus strand (G>C on the coding strand, the complement: PMS2 is on the minus strand). VCF-style: chr7-5997378-C-G. GRCh37 (hg19) VCF-style: chr7-6037009-C-G.
Other names: c.346G>C, p.Val116Leu (NM_001322003.2, NM_001322004.2, NM_001322005.2 and 2 more transcripts); c.751G>C, p.Val251Leu (NM_001322006.2, NM_001322014.2); c.433G>C, p.Val145Leu (NM_001322007.2, NM_001322008.2); c.-183G>C (NM_001322011.2, NM_001322012.2); c.178G>C, p.Val60Leu (NM_001322013.2); c.442G>C, p.Val148Leu (NM_001322015.2); short protein forms V251L, V145L, V60L, V148L, V116L.
Identifiers: ClinVar variation 525633 (VCV000525633.16), dbSNP rs142434011, ClinGen allele CA366743710.

ClinVar aggregate classification (germline): Uncertain significance. Review status: criteria provided, multiple submitters, no conflicts (2 of 4 stars). 3 submissions from 3 submitters: Uncertain significance (3). Last evaluated 2024-09-12.

Conditions:
Hereditary nonpolyposis colorectal neoplasms. Identifiers: MedGen C0009405, MeSH D003123.
Hereditary cancer-predisposing syndrome. Also called: Neoplastic Syndromes, Hereditary; Tumor predisposition; Hereditary Cancer Syndrome; Hereditary neoplastic syndrome. Identifiers: Orphanet 140162, MedGen C0027672, MeSH D009386, MONDO:0015356.

Submissions (3):

Ambry Genetics
Classification: Uncertain significance for Hereditary cancer-predisposing syndrome. Last evaluated: 2024-09-12. Review status: criteria provided, single submitter. Criteria: Ambry Variant Classification Scheme 2023. Collection method: clinical testing. Allele origin: germline.
Comment: The p.V251L variant (also known as c.751G>C), located in coding exon 7 of the PMS2 gene, results from a G to C substitution at nucleotide position 751. The valine at codon 251 is replaced by leucine, an amino acid with highly similar properties. This amino acid position is well conserved in available vertebrate species. In addition, the in silico prediction for this alteration is inconclusive. Based on the available evidence, the clinical significance of this variant remains unclear.

Labcorp Genetics (formerly Invitae), Labcorp
Classification: Uncertain significance for Hereditary nonpolyposis colorectal neoplasms. Last evaluated: 2024-03-24. Review status: criteria provided, single submitter. Criteria: Invitae Variant Classification Sherloc (09022015). Collection method: clinical testing. Allele origin: germline.
Comment: This sequence change replaces valine, which is neutral and non-polar, with leucine, which is neutral and non-polar, at codon 251 of the PMS2 protein (p.Val251Leu). This variant is not present in population databases (gnomAD no frequency). This variant has not been reported in the literature in individuals affected with PMS2-related conditions. ClinVar contains an entry for this variant (Variation ID: 525633). Advanced modeling of protein sequence and biophysical properties (such as structural, functional, and spatial information, amino acid conservation, physicochemical variation, residue mobility, and thermodynamic stability) performed at Invitae indicates that this missense variant is expected to disrupt PMS2 protein function with a positive predictive value of 80%. In summary, the available evidence is currently insufficient to determine the role of this variant in disease. Therefore, it has been classified as a Variant of Uncertain Significance.

Color Diagnostics, LLC DBA Color Health
Classification: Uncertain significance for Hereditary cancer-predisposing syndrome. Last evaluated: 2019-10-02. Review status: criteria provided, single submitter. Criteria: ACMG Guidelines, 2015. Collection method: clinical testing. Allele origin: germline.
Comment: This missense variant replaces valine with leucine at codon 251 of the PMS2 protein. Computational prediction tool is inconclusive regarding the impact of this variant on protein structure and function (internally defined REVEL score threshold 0.5 < inconclusive < 0.7, PMID: 27666373). Splice site prediction tools suggest that this variant may not impact RNA splicing. To our knowledge, functional studies have not been performed for this variant. This variant has not been reported in individuals affected with hereditary cancer in the literature. This variant has not been identified in the general population by the Genome Aggregation Database (gnomAD). The available evidence is insufficient to determine the role of this variant in disease conclusively. Therefore, this variant is classified as a Variant of Uncertain Significance.